The following is an entry in ClinVar:

ClinVar aggregate classification (germline): Uncertain significance. Review status: criteria provided, multiple submitters, no conflicts (2 of 4 stars). 2 submissions from 2 submitters: Uncertain significance (2). Last evaluated 2026-07-06.

Conditions:
Haddad syndrome (OHD). Also called: Ondine-Hirschsprung disease. Identifiers: Orphanet 99803, MedGen C1859049, MONDO:0020493.
Hereditary cancer-predisposing syndrome. Also called: Tumor predisposition; Hereditary Cancer Syndrome; Hereditary neoplastic syndrome; Neoplastic Syndromes, Hereditary. Identifiers: Orphanet 140162, MedGen C0027672, MeSH D009386, MONDO:0015356.

Submissions (2):

Ambry Genetics
Classification: Uncertain significance for Hereditary cancer-predisposing syndrome. Last evaluated: 2026-07-06. Review status: criteria provided, single submitter. Criteria: Ambry Variant Classification Scheme 2023. Collection method: clinical testing. Allele origin: germline.
Comment: The p.A265V variant (also known as c.794C>T), located in coding exon 3 of the PHOX2B gene, results from a C to T substitution at nucleotide position 794. The alanine at codon 265 is replaced by valine, an amino acid with similar properties. This amino acid position is conserved. In addition, this alteration is predicted to be tolerated by in silico analysis. Based on the available evidence, the clinical significance of this variant remains unclear.

Labcorp Genetics (formerly Invitae), Labcorp
Classification: Uncertain significance for Haddad syndrome. Last evaluated: 2020-08-31. Review status: criteria provided, single submitter. Criteria: Invitae Variant Classification Sherloc (09022015). Collection method: clinical testing. Allele origin: germline.
Comment: This sequence change replaces alanine with valine at codon 265 of the PHOX2B protein (p.Ala265Val). The alanine residue is moderately conserved and there is a small physicochemical difference between alanine and valine. This variant is not present in population databases (ExAC no frequency). This variant has not been reported in the literature in individuals with PHOX2B-related conditions. Algorithms developed to predict the effect of missense changes on protein structure and function are either unavailable or do not agree on the potential impact of this missense change (SIFT: "Tolerated"; PolyPhen-2: "Not Available"; Align-GVGD: "Class C0"). In summary, the available evidence is currently insufficient to determine the role of this variant in disease. Therefore, it has been classified as a Variant of Uncertain Significance.

NM_003924.4(PHOX2B):c.794C>T (p.Ala265Val)

Gene: PHOX2B (paired like homeobox 2B; minus strand). Cytogenetic location: 4p13.
Variant type: single nucleotide variant.
Coding change: c.794C>T on transcript NM_003924.4 (MANE Select); coding-DNA position 794, C replaced by T.
Protein change: p.Ala265Val; replaces alanine 265 with valine.
Molecular consequence: missense variant.
Genome position (GRCh38, 1-based): chr4:41,745,958, G>A on the plus strand (C>T on the coding strand, the complement: PHOX2B is on the minus strand). VCF-style: chr4-41745958-G-A. GRCh37 (hg19) VCF-style: chr4-41747975-G-A.
Other names: c.794C>T (NM_003924.3); short protein forms A265V.
Identifiers: ClinVar variation 1004368 (VCV001004368.9), dbSNP rs1733873222, ClinGen allele CA356737125.